The following is an entry in ClinVar:

ClinVar aggregate classification (germline): Uncertain significance (1 of 4 stars; one submission).

Submission:

Labcorp Genetics (formerly Invitae), Labcorp
Classification: Uncertain significance. Last evaluated: 2024-01-25. Review status: criteria provided, single submitter. Criteria: Invitae Variant Classification Sherloc (09022015). Collection method: clinical testing. Allele origin: germline.
Comment: This sequence change replaces glutamic acid, which is acidic and polar, with valine, which is neutral and non-polar, at codon 3894 of the KMT2A protein (p.Glu3894Val). This variant is not present in population databases (gnomAD no frequency). This variant has not been reported in the literature in individuals affected with KMT2A-related conditions. Advanced modeling of protein sequence and biophysical properties (such as structural, functional, and spatial information, amino acid conservation, physicochemical variation, residue mobility, and thermodynamic stability) performed at Invitae indicates that this missense variant is not expected to disrupt KMT2A protein function with a negative predictive value of 95%. In summary, the available evidence is currently insufficient to determine the role of this variant in disease. Therefore, it has been classified as a Variant of Uncertain Significance.

NM_001197104.2(KMT2A):c.11681A>T (p.Glu3894Val)

Genes: KMT2A (lysine methyltransferase 2A; plus strand), TTC36-AS1 (TTC36 and KMT2A antisense RNA 1; minus strand). Cytogenetic location: 11q23.3.
Variant type: single nucleotide variant.
Coding change: c.11681A>T on transcript NM_001197104.2 (MANE Select); coding-DNA position 11681, A replaced by T.
Protein change: p.Glu3894Val; replaces glutamic acid 3894 with valine.
Molecular consequence: missense variant.
Genome position (GRCh38, 1-based): chr11:118,521,934, A>T. VCF-style: chr11-118521934-A-T. GRCh37 (hg19) VCF-style: chr11-118392649-A-T.
Other names: c.11771A>T, p.Glu3924Val (NM_001412597.1); c.11672A>T, p.Glu3891Val (NM_005933.4); short protein forms E3891V, E3924V, E3894V.
Identifiers: ClinVar variation 2710058 (VCV002710058.3), dbSNP rs2497133295, ClinGen allele CA382836054.